The following is an entry in ClinVar:

ClinVar aggregate classification (germline): Uncertain significance (1 of 4 stars; one submission).

Submission:

GeneDx
Classification: Uncertain significance. Last evaluated: 2023-04-06. Review status: criteria provided, single submitter. Criteria: GeneDx Variant Classification Process June 2021. Collection method: clinical testing. Allele origin: germline. Affected: yes.
Comment: Not observed at significant frequency in large population cohorts (gnomAD); In silico analysis supports that this missense variant has a deleterious effect on protein structure/function; Has not been previously published as pathogenic or benign to our knowledge

NM_001127222.2(CACNA1A):c.1923C>A (p.Phe641Leu)

Gene: CACNA1A (calcium voltage-gated channel subunit alpha1 A; minus strand). Cytogenetic location: 19p13.13.
Variant type: single nucleotide variant.
Coding change: c.1923C>A on transcript NM_001127222.2 (MANE Select); coding-DNA position 1923, C replaced by A.
Protein change: p.Phe641Leu; replaces phenylalanine 641 with leucine.
Molecular consequence: missense variant.
Genome position (GRCh38, 1-based): chr19:13,307,845, G>T on the plus strand (C>A on the coding strand, the complement: CACNA1A is on the minus strand). VCF-style: chr19-13307845-G-T. GRCh37 (hg19) VCF-style: chr19-13418659-G-T.
Other names: c.1926C>A, p.Phe642Leu (NM_000068.4, NM_001127221.2, NM_001174080.2 and 1 more transcripts); short protein forms F641L, F642L.
Identifiers: ClinVar variation 2662512 (VCV002662512.1), dbSNP rs772832553, ClinGen allele CA404344673.